The following is an entry in ClinVar:

NM_000815.5(GABRD):c.-4G>A

Gene: GABRD (gamma-aminobutyric acid type A receptor subunit delta; plus strand). Cytogenetic location: 1p36.33.
Variant type: single nucleotide variant.
Coding change: c.-4G>A on transcript NM_000815.5 (MANE Select); 4 bases upstream of the start codon, G replaced by A.
Molecular consequence: 5 prime UTR variant.
Genome position (GRCh38, 1-based): chr1:2,019,420, G>A. VCF-style: chr1-2019420-G-A. GRCh37 (hg19) VCF-style: chr1-1950859-G-A.
Identifiers: ClinVar variation 1315842 (VCV001315842.2), dbSNP rs2102140664, ClinGen allele CA2573051460.

ClinVar aggregate classification (germline): Uncertain significance (1 of 4 stars; one submission).

Submission:

GeneDx
Classification: Uncertain significance. Last evaluated: 2019-10-07. Review status: criteria provided, single submitter. Criteria: GeneDx Variant Classification Process June 2021. Collection method: clinical testing. Allele origin: germline. Affected: yes.
Comment: Not observed in large population cohorts (Lek et al., 2016); Located in a region that tolerates variation and lacks pathogenic variants; Has not been previously published as pathogenic or benign to our knowledge; Variants in candidate genes are classified as variants of uncertain significance in accordance with ACMG guidelines (Richards et al., 2015)